The following is an entry in ClinVar:

ClinVar aggregate classification (germline): Uncertain significance (1 of 4 stars; one submission).

Conditions:
Cardiovascular phenotype. Identifiers: MedGen CN230736.

Allele frequency attached by ClinVar (database versions not stated): TOPMed 0.00001.
gnomAD v4.1: 14 of 1,612,278 alleles (0.00087%); highest among the groups gnomAD compares: African/African-American, 0.0013%; no homozygotes.

Submission:

Ambry Genetics
Classification: Uncertain significance for Cardiovascular phenotype. Last evaluated: 2021-11-19. Review status: criteria provided, single submitter. Criteria: Ambry Variant Classification Scheme 2023. Collection method: clinical testing. Allele origin: germline.
Comment: The p.H85R variant (also known as c.254A>G), located in coding exon 3 of the GPIHBP1 gene, results from an A to G substitution at nucleotide position 254. The histidine at codon 85 is replaced by arginine, an amino acid with highly similar properties. This amino acid position is conserved. In addition, this alteration is predicted to be tolerated by in silico analysis. Since supporting evidence is limited at this time, the clinical significance of this alteration remains unclear.

NM_178172.6(GPIHBP1):c.254A>G (p.His85Arg)

Gene: GPIHBP1 (glycosylphosphatidylinositol anchored high density lipoprotein binding protein 1; plus strand). Cytogenetic location: 8q24.3.
Variant type: single nucleotide variant.
Coding change: c.254A>G on transcript NM_178172.6 (MANE Select); coding-DNA position 254, A replaced by G.
Protein change: p.His85Arg; replaces histidine 85 with arginine.
Molecular consequence: missense variant.
Genome position (GRCh38, 1-based): chr8:143,215,085, A>G. VCF-style: chr8-143215085-A-G. GRCh37 (hg19) VCF-style: chr8-144296960-A-G.
Other names: c.254A>G, p.His85Arg (NM_001301772.2); short protein forms H85R.
Identifiers: ClinVar variation 1792925 (VCV001792925.2), dbSNP rs1289358463, ClinGen allele CA372402092.